The following is an entry in ClinVar:

NM_000093.5(COL5A1):c.599A>C (p.Asp200Ala)

Gene: COL5A1 (collagen type V alpha 1 chain; plus strand). Cytogenetic location: 9q34.3.
Variant type: single nucleotide variant.
Coding change: c.599A>C on transcript NM_000093.5 (MANE Select); coding-DNA position 599, A replaced by C.
Protein change: p.Asp200Ala; replaces aspartic acid 200 with alanine.
Molecular consequence: missense variant.
Genome position (GRCh38, 1-based): chr9:134,701,278, A>C. VCF-style: chr9-134701278-A-C. GRCh37 (hg19) VCF-style: chr9-137593124-A-C.
Other names: c.599A>C, p.Asp200Ala (NM_001278074.1); short protein forms D200A.
Identifiers: ClinVar variation 519662 (VCV000519662.5), dbSNP rs1554781695, ClinGen allele CA375443433.

ClinVar aggregate classification (germline): Uncertain significance (1 of 4 stars; one submission).

Conditions:
Familial thoracic aortic aneurysm and aortic dissection (TAAD). Also called: Thoracic aortic aneurysms and dissections. Identifiers: Orphanet 91387, MedGen C4707243, MONDO:0019625.

Submission:

Ambry Genetics
Classification: Uncertain significance for Familial thoracic aortic aneurysm and aortic dissection. Last evaluated: 2017-12-26. Review status: criteria provided, single submitter. Criteria: Ambry Variant Classification Scheme 2023. Collection method: clinical testing. Allele origin: germline.
Comment: The p.D200A variant (also known as c.599A>C), located in coding exon 4 of the COL5A1 gene, results from an A to C substitution at nucleotide position 599. The aspartic acid at codon 200 is replaced by alanine, an amino acid with dissimilar properties. This amino acid position is highly conserved in available vertebrate species. In addition, this alteration is predicted to be deleterious by in silico analysis. Since supporting evidence is limited at this time, the clinical significance of this alteration remains unclear.